The following is an entry in ClinVar:

ClinVar aggregate classification (germline): Pathogenic. Review status: criteria provided, multiple submitters, no conflicts (2 of 4 stars). 2 submissions from 2 submitters: Pathogenic (2). Last evaluated 2025-08-21.

Conditions:
Alport syndrome. Also called: Hemorrhagic familial nephritis; Hemorrhagic hereditary nephritis; Congenital hereditary hematuria. Identifiers: Orphanet 63, MedGen C1567741, MONDO:0018965.

Submissions (2):

Labcorp Genetics (formerly Invitae), Labcorp
Classification: Pathogenic. Last evaluated: 2025-08-21. Review status: criteria provided, single submitter. Criteria: Invitae Variant Classification Sherloc (09022015). Collection method: clinical testing. Allele origin: germline.
Comment: This sequence change replaces glycine, which is neutral and non-polar, with arginine, which is basic and polar, at codon 383 of the COL4A5 protein (p.Gly383Arg). This variant is not present in population databases (gnomAD no frequency). This missense change has been observed in individuals with clinical features of Alport syndrome (PMID: 37225412; internal data). ClinVar contains an entry for this variant (Variation ID: 635111). Invitae Evidence Modeling of protein sequence and biophysical properties (such as structural, functional, and spatial information, amino acid conservation, physicochemical variation, residue mobility, and thermodynamic stability) indicates that this missense variant is expected to disrupt COL4A5 protein function with a positive predictive value of 95%. This variant disrupts the triple helix domain of COL4A5. Glycine residues within the Gly-Xaa-Yaa repeats of the triple helix domain are required for the structure and stability of fibrillar collagens (PMID: 7695699, 8218237, 19344236). In COL4A5, missense variants at these glycine residues are significantly enriched in individuals with disease (PMID: 23720012, 27627812) compared to the general population (ExAC). This variant disrupts the p.Gly383Asp amino acid residue in COL4A5. Other variant(s) that disrupt this residue have been observed in individuals with COL4A5-related conditions (PMID: 8648925), which suggests that this may be a clinically significant amino acid residue. For these reasons, this variant has been classified as Pathogenic.

Molecular Medicine Center, Medical University of Sofia
Classification: Pathogenic for Alport syndrome. Last evaluated: 2019-06-11. Review status: criteria provided, single submitter. Criteria: ACMG Guidelines, 2015. Collection method: clinical testing. Allele origin: inherited. Inheritance: Autosomal dominant inheritance. Affected: yes. Observed: 8 variant alleles, 6 heterozygotes, 2 hemizygotes. Clinical features observed: Microscopic hematuria (HP:0002907), Renal insufficiency (HP:0000083), Sensorineural hearing loss disorder (HP:0000407).
Comment: Identified in all affected individuals, both male and female, in a large pedigree.

Literature cited by the submitters: PubMed 37225412 (cited by Labcorp Genetics (formerly Invitae), Labcorp); PubMed 7695699 (cited by Labcorp Genetics (formerly Invitae), Labcorp); PubMed 8218237 (cited by Labcorp Genetics (formerly Invitae), Labcorp); PubMed 19344236 (cited by Labcorp Genetics (formerly Invitae), Labcorp); PubMed 23720012 (cited by Labcorp Genetics (formerly Invitae), Labcorp); PubMed 27627812 (cited by Labcorp Genetics (formerly Invitae), Labcorp); PubMed 8648925 (cited by Labcorp Genetics (formerly Invitae), Labcorp).

NM_033380.3(COL4A5):c.1147G>C (p.Gly383Arg)

Gene: COL4A5 (collagen type IV alpha 5 chain; plus strand). Cytogenetic location: Xq22.3.
Variant type: single nucleotide variant.
Coding change: c.1147G>C on transcript NM_033380.3 (MANE Select); coding-DNA position 1147, G replaced by C.
Protein change: p.Gly383Arg; replaces glycine 383 with arginine.
Molecular consequence: missense variant.
Genome position (GRCh38, 1-based): chrX:108,586,729, G>C. VCF-style: chrX-108586729-G-C. GRCh37 (hg19) VCF-style: chrX-107829959-G-C.
Other names: c.1147G>C, p.Gly383Arg (NM_000495.5); short protein forms G383R.
Identifiers: ClinVar variation 635111 (VCV000635111.10), dbSNP rs1569492161, ClinGen allele CA413930948.
Genomic context (GRCh38, chrX:108,586,729, plus strand): 5'-TTGCCTGGGTTGCCTGGAGAAAAAGGAGAGCGAGGATTTCCTGGAATACAGGGTCCACCT[G>C]GCCTTCCTGGACCTCCAGGTAAATGAGATTGCATTTATGGCCTTGTTCTTATAGCATCCT-3'
Protein context (NP_203699.1, residues 373-393): RGFPGIQGPP[Gly383Arg]LPGPPGAAVM